The following is an entry in ClinVar:

NM_198253.3(TERT):c.2382+3C>A

Gene: TERT (telomerase reverse transcriptase; minus strand). Cytogenetic location: 5p15.33.
Variant type: single nucleotide variant.
Coding change: c.2382+3C>A on transcript NM_198253.3 (MANE Select); 3 bases into the intron after coding-DNA position 2382, C replaced by A.
Molecular consequence: intron variant.
Genome position (GRCh38, 1-based): chr5:1,272,182, G>T on the plus strand (C>A on the coding strand, the complement: TERT is on the minus strand). VCF-style: chr5-1272182-G-T. GRCh37 (hg19) VCF-style: chr5-1272297-G-T.
Other names: c.2382+3C>A (NM_001193376.3).
Identifiers: ClinVar variation 938429 (VCV000938429.12), dbSNP rs1579564797, ClinGen allele CA1139658734.

ClinVar aggregate classification (germline): Uncertain significance. Review status: criteria provided, single submitter (1 of 4 stars). 2 submissions from 2 submitters: Uncertain significance (1). 1 of the submissions does not count toward it. Last evaluated 2019-06-21.

Conditions:
Idiopathic Pulmonary Fibrosis. Also called: Idiopathic fibrosing alveolitis, chronic form; idiopathic fibrosing alveolitis. Identifiers: Orphanet 2032, MedGen C1800706, MeSH D054990, MONDO:0800504.
Dyskeratosis congenita, autosomal dominant 2. Identifiers: MedGen C3151443, MONDO:0013521, OMIM 613989.
TERT-related disorder. Also called: TERT-related disorders; TERT-related condition.

Allele frequency attached by ClinVar (database versions not stated): gnomAD exomes 0.00001.
gnomAD v4.1: 12 of 1,608,484 alleles (0.00075%); highest among the groups gnomAD compares: Non-Finnish European, 0.001%; no homozygotes.

Submissions (2):

Labcorp Genetics (formerly Invitae), Labcorp
Classification: Uncertain significance for Dyskeratosis congenita, autosomal dominant 2; Idiopathic Pulmonary Fibrosis. Last evaluated: 2019-06-21. Review status: criteria provided, single submitter. Criteria: Invitae Variant Classification Sherloc (09022015). Collection method: clinical testing. Allele origin: germline.
Comment: In summary, the available evidence is currently insufficient to determine the role of this variant in disease. Therefore, it has been classified as a Variant of Uncertain Significance. Nucleotide substitutions within the consensus splice site are a relatively common cause of aberrant splicing (PMID: 17576681, 9536098). Algorithms developed to predict the effect of sequence changes on RNA splicing suggest that this variant may create or strengthen a splice site, but this prediction has not been confirmed by published transcriptional studies. This variant has not been reported in the literature in individuals with TERT-related conditions. This variant is not present in population databases (ExAC no frequency). This sequence change falls in intron 7 of the TERT gene. It does not directly change the encoded amino acid sequence of the TERT protein, but it affects a nucleotide within the consensus splice site of the intron.

PreventionGenetics, part of Exact Sciences
Classification: Likely benign for TERT-related condition. Last evaluated: 2024-02-12. Review status: no assertion criteria provided. Collection method: clinical testing. Allele origin: germline. Not counted in ClinVar's aggregate classification.
Comment: This variant is classified as likely benign based on ACMG/AMP sequence variant interpretation guidelines (Richards et al. 2015 PMID: 25741868, with internal and published modifications).

Literature cited by the submitters: PubMed 17576681 (cited by Labcorp Genetics (formerly Invitae), Labcorp); PubMed 9536098 (cited by Labcorp Genetics (formerly Invitae), Labcorp).